The following is an entry in ClinVar:

NM_002471.4(MYH6):c.4100A>G (p.Asn1367Ser)

Gene: MYH6 (myosin heavy chain 6; minus strand). Cytogenetic location: 14q11.2.
Variant type: single nucleotide variant.
Coding change: c.4100A>G on transcript NM_002471.4 (MANE Select); coding-DNA position 4100, A replaced by G.
Protein change: p.Asn1367Ser; replaces asparagine 1367 with serine.
Molecular consequence: missense variant.
Genome position (GRCh38, 1-based): chr14:23,388,934, T>C on the plus strand (A>G on the coding strand, the complement: MYH6 is on the minus strand). VCF-style: chr14-23388934-T-C. GRCh37 (hg19) VCF-style: chr14-23858143-T-C.
Other names: short protein forms N1367S.
Identifiers: ClinVar variation 3064691 (VCV003064691.3), dbSNP rs1710268561, ClinGen allele CA389001857.
Genomic context (GRCh38, chr14:23,388,934, plus strand): 5'-TCCTCAGTCCGCTGAATGGCGTCCGTCTCATACTTGGTCCTCCACTGGGCCACCTCCGAG[T>C]TGGCCTTGGACAGGACGCGCTGCAGCTCGGCCTTGGCCTCTGTCTCCTCCTCGTACTGCT-3'
Protein context (NP_002462.2, residues 1357-1377): AELQRVLSKA[Asn1367Ser]SEVAQWRTKY

ClinVar aggregate classification (germline): Uncertain significance. Review status: criteria provided, multiple submitters, no conflicts (2 of 4 stars). 3 submissions from 3 submitters: Uncertain significance (3). Last evaluated 2025-04-07.

Conditions:
Atrial septal defect 3 (ASD3). Identifiers: Orphanet 1478, MedGen C3279790, MONDO:0013567, OMIM 614089.
Cardiovascular phenotype. Identifiers: MedGen CN230736.

Submissions (3):

Ambry Genetics
Classification: Uncertain significance for Cardiovascular phenotype. Last evaluated: 2025-04-07. Review status: criteria provided, single submitter. Criteria: Ambry Variant Classification Scheme 2023. Collection method: clinical testing. Allele origin: germline.
Comment: The p.N1367S variant (also known as c.4100A>G), located in coding exon 27 of the MYH6 gene, results from an A to G substitution at nucleotide position 4100. The asparagine at codon 1367 is replaced by serine, an amino acid with highly similar properties. This amino acid position is conserved. In addition, this alteration is predicted to be tolerated by in silico analysis. Based on the available evidence, the clinical significance of this variant remains unclear.

Blueprint Genetics
Classification: Uncertain significance. Last evaluated: 2024-08-22. Review status: criteria provided, single submitter. Criteria: ACMG Guidelines, 2015. Collection method: clinical testing. Allele origin: germline.

Genomic Medicine Center of Excellence, King Faisal Specialist Hospital and Research Centre
Classification: Uncertain significance for Atrial septal defect 3. Last evaluated: 2024-03-29. Review status: criteria provided, single submitter. Criteria: ACMG Guidelines, 2015. Collection method: clinical testing. Allele origin: germline.